The following is an entry in ClinVar:

ClinVar aggregate classification (germline): Uncertain significance (1 of 4 stars; one submission).

Allele frequency attached by ClinVar (database versions not stated): gnomAD 0.00001; gnomAD exomes 0.00001; TOPMed 0.00001; ExAC 0.00002.
gnomAD v4.1: 17 of 1,598,336 alleles (0.0011%); highest among the groups gnomAD compares: African/African-American, 0.0027%; no homozygotes.

Submission:

Labcorp Genetics (formerly Invitae), Labcorp
Classification: Uncertain significance. Last evaluated: 2023-12-11. Review status: criteria provided, single submitter. Criteria: Invitae Variant Classification Sherloc (09022015). Collection method: clinical testing. Allele origin: germline.
Comment: This sequence change replaces alanine, which is neutral and non-polar, with valine, which is neutral and non-polar, at codon 14 of the ASAH1 protein (p.Ala14Val). This variant is present in population databases (rs772623880, gnomAD 0.007%). This variant has not been reported in the literature in individuals affected with ASAH1-related conditions. An algorithm developed to predict the effect of missense changes on protein structure and function (PolyPhen-2) suggests that this variant¬¨‚Ä†is likely to be tolerated. In summary, the available evidence is currently insufficient to determine the role of this variant in disease. Therefore, it has been classified as a Variant of Uncertain Significance.

NM_177924.5(ASAH1):c.41C>T (p.Ala14Val)

Gene: ASAH1 (N-acylsphingosine amidohydrolase 1; minus strand). Cytogenetic location: 8p22.
Variant type: single nucleotide variant.
Coding change: c.41C>T on transcript NM_177924.5 (MANE Select); coding-DNA position 41, C replaced by T.
Protein change: p.Ala14Val; replaces alanine 14 with valine.
Molecular consequence: missense variant. On other transcripts: intron variant (2).
Genome position (GRCh38, 1-based): chr8:18,084,018, G>A on the plus strand (C>T on the coding strand, the complement: ASAH1 is on the minus strand). VCF-style: chr8-18084018-G-A. GRCh37 (hg19) VCF-style: chr8-17941527-G-A.
Other names: c.126+658C>T (NM_004315.6, NM_001127505.3); short protein forms A14V.
Identifiers: ClinVar variation 2883651 (VCV002883651.2), dbSNP rs772623880, ClinGen allele CA4651126.